The following is an entry in ClinVar:

ClinVar aggregate classification (germline): Likely benign (1 of 4 stars; one submission).

Submission:

CeGaT Center for Human Genetics Tuebingen
Classification: Likely benign. Last evaluated: 2025-09-01. Review status: criteria provided, single submitter. Criteria: CeGaT Center For Human Genetics Tuebingen Variant Classification Criteria Version 2. Collection method: clinical testing. Allele origin: germline. Affected: yes. Observed: 1 variant allele.
Comment: RYR1: PM2:Supporting, BP4, BP7

NM_000540.3(RYR1):c.3075G>A (p.Leu1025=)

Gene: RYR1 (ryanodine receptor 1; plus strand). Cytogenetic location: 19q13.2.
Variant type: single nucleotide variant.
Coding change: c.3075G>A on transcript NM_000540.3 (MANE Select); coding-DNA position 3075, G replaced by A.
Protein change: p.Leu1025=; no amino-acid change (leucine 1025 retained).
Molecular consequence: synonymous variant.
Genome position (GRCh38, 1-based): chr19:38,466,295, G>A. VCF-style: chr19-38466295-G-A. GRCh37 (hg19) VCF-style: chr19-38956935-G-A.
Other names: c.3075G>A, p.Leu1025= (NM_001042723.2).
Identifiers: ClinVar variation 4281317 (VCV004281317.7).